The following is an entry in ClinVar:

ClinVar aggregate classification (germline): Uncertain significance. Review status: criteria provided, multiple submitters, no conflicts (2 of 4 stars). 2 submissions from 2 submitters: Uncertain significance (2). Last evaluated 2024-11-21.

Conditions:
Inborn genetic diseases. Identifiers: MedGen C0950123, MeSH D030342.

Submissions (2):

Ambry Genetics
Classification: Uncertain significance for Inborn genetic diseases. Last evaluated: 2024-11-21. Review status: criteria provided, single submitter. Criteria: Ambry Variant Classification Scheme 2023. Collection method: clinical testing. Allele origin: germline.

Labcorp Genetics (formerly Invitae), Labcorp
Classification: Uncertain significance. Last evaluated: 2024-03-26. Review status: criteria provided, single submitter. Criteria: Invitae Variant Classification Sherloc (09022015). Collection method: clinical testing. Allele origin: germline.
Comment: This sequence change replaces proline, which is neutral and non-polar, with leucine, which is neutral and non-polar, at codon 1244 of the DCHS1 protein (p.Pro1244Leu). This variant is present in population databases (rs772673152, gnomAD 0.003%). This variant has not been reported in the literature in individuals affected with DCHS1-related conditions. Advanced modeling of protein sequence and biophysical properties (such as structural, functional, and spatial information, amino acid conservation, physicochemical variation, residue mobility, and thermodynamic stability) has been performed at Invitae for this missense variant, however the output from this modeling did not meet the statistical confidence thresholds required to predict the impact of this variant on DCHS1 protein function. In summary, the available evidence is currently insufficient to determine the role of this variant in disease. Therefore, it has been classified as a Variant of Uncertain Significance.

NM_003737.4(DCHS1):c.3731C>T (p.Pro1244Leu)

Gene: DCHS1 (dachsous cadherin-related 1; minus strand). Cytogenetic location: 11p15.4.
Variant type: single nucleotide variant.
Coding change: c.3731C>T on transcript NM_003737.4 (MANE Select); coding-DNA position 3731, C replaced by T.
Protein change: p.Pro1244Leu; replaces proline 1244 with leucine.
Molecular consequence: missense variant.
Genome position (GRCh38, 1-based): chr11:6,631,352, G>A on the plus strand (C>T on the coding strand, the complement: DCHS1 is on the minus strand). VCF-style: chr11-6631352-G-A. GRCh37 (hg19) VCF-style: chr11-6652583-G-A.
Other names: short protein forms P1244L.
Identifiers: ClinVar variation 3500045 (VCV003500045.3).
Genomic context (GRCh38, chr11:6,631,352, plus strand): 5'-CCTCTCTCCACTCCCATACCAGTTAGCGTGTACAAGATGGTCCCATTCTCCCCCTCATCT[G>A]GATCCTTCGCCTGCAGAGTCGTCACCAGTGTTCCCGGAGGCACGCGGTCTGGTACCTGTG-3'
Protein context (NP_003728.1, residues 1234-1254): TLVTTLQAKD[Pro1244Leu]DEGENGTILY